The following is an entry in ClinVar:

NM_000142.5(FGFR3):c.2163C>T (p.His721=)

Gene: FGFR3 (fibroblast growth factor receptor 3; plus strand). Cytogenetic location: 4p16.3.
Variant type: single nucleotide variant.
Coding change: c.2163C>T on transcript NM_000142.5 (MANE Select); coding-DNA position 2163, C replaced by T.
Protein change: p.His721=; no amino-acid change (histidine 721 retained).
Molecular consequence: synonymous variant. On other transcripts: nonsense (1), non-coding transcript variant (1).
Genome position (GRCh38, 1-based): chr4:1,806,678, C>T. VCF-style: chr4-1806678-C-T. GRCh37 (hg19) VCF-style: chr4-1808405-C-T.
Other names: c.2169C>T, p.His723= (NM_001163213.2); c.2166C>T, p.His722= (NM_001354809.2); c.2095C>T, p.Arg699Ter (NM_001354810.2); c.1827C>T, p.His609= (NM_022965.4); short protein forms R699*.
Identifiers: ClinVar variation 3044276 (VCV003044276.4), dbSNP rs371088132, ClinGen allele CA2810732.

ClinVar aggregate classification (germline): Likely benign. Review status: criteria provided, single submitter (1 of 4 stars). 2 submissions from 2 submitters: Likely benign (1). 1 of the submissions does not count toward it. Last evaluated 2025-01-16.

Conditions:
FGFR3-related disorder. Also called: FGFR3-related disorders.

Allele frequency attached by ClinVar (database versions not stated): TOPMed 0.00001; ExAC 0.00001.

Submissions (2):

Labcorp Genetics (formerly Invitae), Labcorp
Classification: Likely benign. Last evaluated: 2025-01-16. Review status: criteria provided, single submitter. Criteria: Invitae Variant Classification Sherloc (09022015). Collection method: clinical testing. Allele origin: germline.

PreventionGenetics, part of Exact Sciences
Classification: Likely benign for FGFR3-related condition. Last evaluated: 2019-05-28. Review status: no assertion criteria provided. Collection method: clinical testing. Allele origin: germline. Not counted in ClinVar's aggregate classification.
Comment: This variant is classified as likely benign based on ACMG/AMP sequence variant interpretation guidelines (Richards et al. 2015 PMID: 25741868, with internal and published modifications).